The following is an entry in ClinVar:

ClinVar aggregate classification (germline): Uncertain significance (1 of 4 stars; one submission).

Allele frequency attached by ClinVar (database versions not stated): gnomAD exomes below 0.00001.
gnomAD v4.1: 1 of 1,614,202 alleles (0.000062%); highest among the groups gnomAD compares: Non-Finnish European, 0.000085%; no homozygotes.

Submission:

Ambry Genetics
Classification: Uncertain significance. Last evaluated: 2023-03-18. Review status: criteria provided, single submitter. Criteria: Ambry Variant Classification Scheme 2023. Collection method: clinical testing. Allele origin: germline.
Comment: The p.H282P variant (also known as c.845A>C), located in coding exon 3 of the ALPK2 gene, results from an A to C substitution at nucleotide position 845. The histidine at codon 282 is replaced by proline, an amino acid with similar properties. This amino acid position is conserved. In addition, this alteration is predicted to be tolerated by in silico analysis. Since supporting evidence is limited at this time, the clinical significance of this alteration remains unclear.

NM_052947.4(ALPK2):c.845A>C (p.His282Pro)

Genes: ALPK2 (alpha kinase 2; minus strand), LOC114803473 (ALPK2 eExon liver enhancer; plus strand). Cytogenetic location: 18q21.31.
Variant type: single nucleotide variant.
Coding change: c.845A>C on transcript NM_052947.4 (MANE Select); coding-DNA position 845, A replaced by C.
Protein change: p.His282Pro; replaces histidine 282 with proline.
Molecular consequence: missense variant.
Genome position (GRCh38, 1-based): chr18:58,579,931, T>G on the plus strand (A>C on the coding strand, the complement: ALPK2 is on the minus strand). VCF-style: chr18-58579931-T-G. GRCh37 (hg19) VCF-style: chr18-56247163-T-G.
Other names: short protein forms H282P.
Identifiers: ClinVar variation 2561800 (VCV002561800.2), dbSNP rs2518899767, ClinGen allele CA402567075.